The following is an entry in ClinVar:

ClinVar aggregate classification (germline): Uncertain significance. Review status: criteria provided, multiple submitters, no conflicts (2 of 4 stars). 3 submissions from 3 submitters: Uncertain significance (3). Last evaluated 2025-09-10.

Conditions:
Hereditary cancer-predisposing syndrome. Also called: Tumor predisposition; Hereditary Cancer Syndrome; Hereditary neoplastic syndrome; Neoplastic Syndromes, Hereditary. Identifiers: Orphanet 140162, MedGen C0027672, MeSH D009386, MONDO:0015356.
Hereditary pheochromocytoma and paraganglioma. Also called: Hereditary paragangliomas and pheochromocytomas; Hereditary Paraganglioma-Pheochromocytoma Syndromes; Hereditary pheochromocytoma-paraganglioma. Identifiers: Orphanet 29072, MedGen C4274332, MONDO:0017366.

Submissions (3):

Quest Diagnostics Nichols Institute San Juan Capistrano
Classification: Uncertain significance. Last evaluated: 2025-09-10. Review status: criteria provided, single submitter. Criteria: Quest Diagnostics criteria. Collection method: clinical testing. Allele origin: unknown.
Comment: The TMEM127 c.171C>G (p.His57Gln) variant has not been reported in individuals with TMEM127-related conditions in the published literature. This variant has not been reported in large, multi-ethnic general populations (Genome Aggregation Database). Analysis of this variant using bioinformatics tools for the prediction of the effect of amino acid changes on protein structure and function yielded conflicting predictions that this variant is deleterious or benign. Additional analysis using software algorithms for the prediction of the effect of nucleotide changes on TMEM127 mRNA splicing yielded predictions that this variant may result in the gain of a cryptic splice site without affecting the natural splice sites. Based on the available information, we are unable to determine the clinical significance of this variant.

Ambry Genetics
Classification: Uncertain significance for Hereditary cancer-predisposing syndrome. Last evaluated: 2025-03-17. Review status: criteria provided, single submitter. Criteria: Ambry Variant Classification Scheme 2023. Collection method: clinical testing. Allele origin: germline.
Comment: The p.H57Q variant (also known as c.171C>G), located in coding exon 1 of the TMEM127 gene, results from a C to G substitution at nucleotide position 171. The histidine at codon 57 is replaced by glutamine, an amino acid with highly similar properties. This amino acid position is conserved. In addition, the in silico prediction for this alteration is inconclusive. Based on the available evidence, the clinical significance of this variant remains unclear.

Labcorp Genetics (formerly Invitae), Labcorp
Classification: Uncertain significance for Hereditary pheochromocytoma and paraganglioma. Last evaluated: 2023-05-30. Review status: criteria provided, single submitter. Criteria: Invitae Variant Classification Sherloc (09022015). Collection method: clinical testing. Allele origin: germline.
Comment: In summary, the available evidence is currently insufficient to determine the role of this variant in disease. Therefore, it has been classified as a Variant of Uncertain Significance. An algorithm developed to predict the effect of missense changes on protein structure and function (PolyPhen-2) suggests that this variant is likely to be tolerated. ClinVar contains an entry for this variant (Variation ID: 1518446). This variant has not been reported in the literature in individuals affected with TMEM127-related conditions. This variant is not present in population databases (gnomAD no frequency). This sequence change replaces histidine, which is basic and polar, with glutamine, which is neutral and polar, at codon 57 of the TMEM127 protein (p.His57Gln).

NM_017849.4(TMEM127):c.171C>G (p.His57Gln)

Gene: TMEM127 (transmembrane protein 127; minus strand). Cytogenetic location: 2q11.2.
Variant type: single nucleotide variant.
Coding change: c.171C>G on transcript NM_017849.4 (MANE Select); coding-DNA position 171, C replaced by G.
Protein change: p.His57Gln; replaces histidine 57 with glutamine.
Molecular consequence: missense variant.
Genome position (GRCh38, 1-based): chr2:96,265,211, G>C on the plus strand (C>G on the coding strand, the complement: TMEM127 is on the minus strand). VCF-style: chr2-96265211-G-C. GRCh37 (hg19) VCF-style: chr2-96930949-G-C.
Other names: c.171C>G, p.His57Gln (NM_001193304.3); c.171C>G (NM_017849.3); short protein forms H57Q.
Identifiers: ClinVar variation 1518446 (VCV001518446.10), dbSNP rs1573977723, ClinGen allele CA347655971.